The following is an entry in ClinVar:

NM_002454.3(MTRR):c.1558-6T>C

Gene: MTRR (5-methyltetrahydrofolate-homocysteine methyltransferase reductase; plus strand). Cytogenetic location: 5p15.31.
Variant type: single nucleotide variant.
Coding change: c.1558-6T>C on transcript NM_002454.3 (MANE Select); 6 bases into the intron before coding-DNA position 1558, T replaced by C.
Molecular consequence: intron variant.
Genome position (GRCh38, 1-based): chr5:7,895,728, T>C. VCF-style: chr5-7895728-T-C. GRCh37 (hg19) VCF-style: chr5-7895841-T-C.
Other names: c.1558-6T>C (NM_001364442.2, NM_024010.4, NM_001364440.2 and 1 more transcripts).
Identifiers: ClinVar variation 2008663 (VCV002008663.1), dbSNP rs2479146773, ClinGen allele CA2580073444.

ClinVar aggregate classification (germline): Uncertain significance (1 of 4 stars; one submission).

Conditions:
Methylcobalamin deficiency type cblE (HMAE). Also called: HOMOCYSTINURIA-MEGALOBLASTIC ANEMIA, cblE COMPLEMENTATION TYPE; VITAMIN B12-RESPONSIVE HOMOCYSTINURIA, cblE TYPE; HOMOCYSTINURIA-MEGALOBLASTIC ANEMIA, cblE TYPE. Identifiers: Orphanet 2169, Orphanet 622, MedGen C1856057, MONDO:0009354, OMIM 236270.

Submission:

Labcorp Genetics (formerly Invitae), Labcorp
Classification: Uncertain significance for Methylcobalamin deficiency type cblE. Last evaluated: 2022-06-20. Review status: criteria provided, single submitter. Criteria: Invitae Variant Classification Sherloc (09022015). Collection method: clinical testing. Allele origin: germline.
Comment: This sequence change falls in intron 11 of the MTRR gene. It does not directly change the encoded amino acid sequence of the MTRR protein. This variant is not present in population databases (gnomAD no frequency). This variant has not been reported in the literature in individuals affected with MTRR-related conditions. Algorithms developed to predict the effect of sequence changes on RNA splicing suggest that this variant may disrupt the consensus splice site. In summary, the available evidence is currently insufficient to determine the role of this variant in disease. Therefore, it has been classified as a Variant of Uncertain Significance.